The following is an entry in ClinVar:

NM_001005361.3(DNM2):c.2584C>T (p.Arg862Cys)

Gene: DNM2 (dynamin 2; plus strand). Cytogenetic location: 19p13.2.
Variant type: single nucleotide variant.
Coding change: c.2584C>T on transcript NM_001005361.3 (MANE Select); coding-DNA position 2584, C replaced by T.
Protein change: p.Arg862Cys; replaces arginine 862 with cysteine.
Molecular consequence: missense variant.
Genome position (GRCh38, 1-based): chr19:10,831,018, C>T. VCF-style: chr19-10831018-C-T. GRCh37 (hg19) VCF-style: chr19-10941694-C-T.
Other names: c.2584C>T, p.Arg862Cys (NM_001005360.3); c.2572C>T, p.Arg858Cys (NM_001005362.3, NM_004945.4); c.2581C>T, p.Arg861Cys (NM_001190716.2); short protein forms R858C, R861C, R862C.
Identifiers: ClinVar variation 845226 (VCV000845226.10), dbSNP rs774180125, ClinGen allele CA305272729.

ClinVar aggregate classification (germline): Uncertain significance. Review status: criteria provided, multiple submitters, no conflicts (2 of 4 stars). 2 submissions from 2 submitters: Uncertain significance (2). Last evaluated 2025-08-08.

Conditions:
DNM2-related disorder. Also called: DNM2-related condition.
Charcot-Marie-Tooth disease dominant intermediate B (CMTDIB). Also called: CHARCOT-MARIE-TOOTH NEUROPATHY, DOMINANT INTERMEDIATE B; Charcot-Marie-Tooth disease dominant intermediate 1; CMT DI1; Charcot-Marie-Tooth disease dominant intermediate I. Identifiers: Orphanet 100044, Orphanet 228179, MedGen C1847902, MONDO:0011674, OMIM 606482.

Allele frequency attached by ClinVar (database versions not stated): gnomAD exomes below 0.00001; TOPMed below 0.00001; gnomAD 0.00001.

Submissions (2):

Labcorp Genetics (formerly Invitae), Labcorp
Classification: Uncertain significance for Charcot-Marie-Tooth disease dominant intermediate B. Last evaluated: 2025-08-08. Review status: criteria provided, single submitter. Criteria: Invitae Variant Classification Sherloc (09022015). Collection method: clinical testing. Allele origin: germline.
Comment: This sequence change replaces arginine, which is basic and polar, with cysteine, which is neutral and slightly polar, at codon 862 of the DNM2 protein (p.Arg862Cys). This variant is present in population databases (no rsID available, gnomAD 0.002%). This missense change has been observed in individual(s) with clinical features of Charcot-Marie-Tooth disease (internal data). ClinVar contains an entry for this variant (Variation ID: 845226). Invitae Evidence Modeling of protein sequence and biophysical properties (such as structural, functional, and spatial information, amino acid conservation, physicochemical variation, residue mobility, and thermodynamic stability) indicates that this missense variant is expected to disrupt DNM2 protein function with a positive predictive value of 80%. In summary, the available evidence is currently insufficient to determine the role of this variant in disease. Therefore, it has been classified as a Variant of Uncertain Significance.

PreventionGenetics, part of Exact Sciences
Classification: Uncertain significance for DNM2-related condition. Last evaluated: 2025-06-26. Review status: criteria provided, single submitter. Criteria: ACMG Guidelines, 2015. Collection method: clinical testing. Allele origin: germline.
Comment: The DNM2 c.2584C>T variant is predicted to result in the amino acid substitution p.Arg862Cys. To our knowledge, this variant has not been reported in the literature. This variant is reported in 0.0016% of alleles in individuals of European (non-Finnish) descent in gnomAD. At this time, the clinical significance of this variant is uncertain due to the absence of conclusive functional and genetic evidence.